The following is an entry in ClinVar:

NM_000548.5(TSC2):c.3015G>C (p.Glu1005Asp)

Gene: TSC2 (TSC complex subunit 2; plus strand). Cytogenetic location: 16p13.3.
Variant type: single nucleotide variant.
Coding change: c.3015G>C on transcript NM_000548.5 (MANE Select); coding-DNA position 3015, G replaced by C.
Protein change: p.Glu1005Asp; replaces glutamic acid 1005 with aspartic acid.
Molecular consequence: missense variant. On other transcripts: non-coding transcript variant (5).
Genome position (GRCh38, 1-based): chr16:2,079,080, G>C. VCF-style: chr16-2079080-G-C. GRCh37 (hg19) VCF-style: chr16-2129081-G-C.
Other names: c.2412G>C, p.Glu804Asp (NM_001406684.1); c.2286G>C, p.Glu762Asp (NM_001406685.1, NM_001406686.1); c.2283G>C, p.Glu761Asp (NM_001406687.1, NM_001406688.1, NM_001318831.2); c.1671G>C, p.Glu557Asp (NM_001406689.1); c.1542G>C, p.Glu514Asp (NM_001406690.1, NM_001406692.1, NM_001406693.1 and 1 more transcripts); c.1539G>C, p.Glu513Asp (NM_001406691.1, NM_001406695.1, NM_001406696.1 and 1 more transcripts); c.1281G>C, p.Glu427Asp (NM_001406698.1); c.2886G>C, p.Glu962Asp (NM_021055.3, NM_001363528.2, NM_001370405.1); and 18 more; short protein forms E427D, E804D, E805D, E913D, E958D, E972D, E991D, E513D.
Identifiers: ClinVar variation 3811340 (VCV003811340.1).

ClinVar aggregate classification (germline): Uncertain significance (1 of 4 stars; one submission).

Conditions:
Hereditary cancer-predisposing syndrome. Also called: Neoplastic Syndromes, Hereditary; Hereditary Cancer Syndrome; Tumor predisposition; Hereditary neoplastic syndrome. Identifiers: Orphanet 140162, MedGen C0027672, MeSH D009386, MONDO:0015356.

gnomAD v4.1: 1 of 1,612,984 alleles (0.000062%); highest among the groups gnomAD compares: Non-Finnish European, 0.000085%; no homozygotes.

Submission:

Ambry Genetics
Classification: Uncertain significance for Hereditary cancer-predisposing syndrome. Last evaluated: 2025-01-31. Review status: criteria provided, single submitter. Criteria: Ambry Variant Classification Scheme 2023. Collection method: clinical testing. Allele origin: germline.
Comment: The p.E1005D variant (also known as c.3015G>C), located in coding exon 26 of the TSC2 gene, results from a G to C substitution at nucleotide position 3015. The glutamic acid at codon 1005 is replaced by aspartic acid, an amino acid with highly similar properties. This amino acid position is highly conserved in available vertebrate species. In addition, this alteration is predicted to be deleterious by in silico analysis. Based on the available evidence, the clinical significance of this variant remains unclear.